The following is an entry in ClinVar:

ClinVar aggregate classification (germline): Uncertain significance (1 of 4 stars; one submission).

Submission:

Labcorp Genetics (formerly Invitae), Labcorp
Classification: Uncertain significance. Last evaluated: 2019-12-08. Review status: criteria provided, single submitter. Criteria: Invitae Variant Classification Sherloc (09022015). Collection method: clinical testing. Allele origin: germline.
Comment: In summary, the available evidence is currently insufficient to determine the role of this variant in disease. Therefore, it has been classified as a Variant of Uncertain Significance. Nucleotide substitutions within the consensus splice site are a relatively common cause of aberrant splicing (PMID: 17576681, 9536098). This variant has not been reported in the literature in individuals with POLE-related conditions. This variant is not present in population databases (ExAC no frequency). This sequence change falls in intron 31 of the POLE gene. It does not directly change the encoded amino acid sequence of the POLE protein, but it affects a nucleotide within the consensus splice site of the intron.

Literature cited by the submitters: PubMed 17576681; PubMed 9536098.

NM_006231.4(POLE):c.4005+3_4005+10delinsG

Gene: POLE (DNA polymerase epsilon, catalytic subunit; minus strand). Cytogenetic location: 12q24.33.
Variant type: Indel.
Coding change: c.4005+3_4005+10delinsG on transcript NM_006231.4 (MANE Select); bases 3 to 10 of the intron after coding-DNA position 4005, ATAGACCT replaced by G.
Molecular consequence: intron variant.
Genome position (GRCh38, 1-based): chr12:132,649,296-132,649,303, AGGTCTAT replaced by C on the plus strand (ATAGACCT replaced by G on the coding strand, the reverse complement: POLE is on the minus strand). VCF-style: chr12-132649296-AGGTCTAT-C. GRCh37 (hg19) VCF-style: chr12-133225882-AGGTCTAT-C.
Identifiers: ClinVar variation 3010210 (VCV003010210.3), dbSNP rs2042361004, ClinGen allele CA1139662966.